The following is an entry in ClinVar:

NM_000178.4(GSS):c.62A>T (p.Gln21Leu)

Gene: GSS (glutathione synthetase; minus strand). Cytogenetic location: 20q11.22.
Variant type: single nucleotide variant.
Coding change: c.62A>T on transcript NM_000178.4 (MANE Select); coding-DNA position 62, A replaced by T.
Protein change: p.Gln21Leu; replaces glutamine 21 with leucine.
Molecular consequence: missense variant.
Genome position (GRCh38, 1-based): chr20:34,951,791, T>A on the plus strand (A>T on the coding strand, the complement: GSS is on the minus strand). VCF-style: chr20-34951791-T-A. GRCh37 (hg19) VCF-style: chr20-33539594-T-A.
Other names: c.62A>T, p.Gln21Leu (NM_001322494.1, NM_001322495.1); short protein forms Q21L.
Identifiers: ClinVar variation 4267567 (VCV004267567.1).

ClinVar aggregate classification (germline): Uncertain significance (1 of 4 stars; one submission).

Conditions:
Inborn genetic diseases. Identifiers: MedGen C0950123, MeSH D030342.

Submission:

Ambry Genetics
Classification: Uncertain significance for Inborn genetic diseases. Last evaluated: 2025-06-20. Review status: criteria provided, single submitter. Criteria: Ambry Variant Classification Scheme 2023. Collection method: clinical testing. Allele origin: germline.
Comment: The p.Q21L variant (also known as c.62A>T), located in coding exon 1 of the GSS gene, results from an A to T substitution at nucleotide position 62. The glutamine at codon 21 is replaced by leucine, an amino acid with dissimilar properties. This amino acid position is conserved. In addition, the in silico prediction for this alteration is inconclusive. Based on the available evidence, the clinical significance of this variant remains unclear.